The following is an entry in ClinVar:

NM_001105206.3(LAMA4):c.2177A>T (p.Asp726Val)

Gene: LAMA4 (laminin subunit alpha 4; minus strand). Cytogenetic location: 6q21.
Variant type: single nucleotide variant.
Coding change: c.2177A>T on transcript NM_001105206.3 (MANE Select); coding-DNA position 2177, A replaced by T.
Protein change: p.Asp726Val; replaces aspartic acid 726 with valine.
Molecular consequence: missense variant.
Genome position (GRCh38, 1-based): chr6:112,148,333, T>A on the plus strand (A>T on the coding strand, the complement: LAMA4 is on the minus strand). VCF-style: chr6-112148333-T-A. GRCh37 (hg19) VCF-style: chr6-112469535-T-A.
Other names: c.2156A>T (LRG_433t2); c.2156A>T, p.Asp719Val (NM_001105207.3, NM_002290.5); short protein forms D719V, D726V.
Identifiers: ClinVar variation 191688 (VCV000191688.4), dbSNP rs781823199, ClinGen allele CA237270.

ClinVar aggregate classification (germline): Uncertain significance. Review status: criteria provided, multiple submitters, no conflicts (2 of 4 stars). 2 submissions from 2 submitters: Uncertain significance (2). Last evaluated 2025-11-10.

Conditions:
Cardiovascular phenotype. Identifiers: MedGen CN230736.

Allele frequency attached by ClinVar (database versions not stated): TOPMed 0.00001; gnomAD 0.00001; gnomAD exomes 0.00001.
gnomAD v4.1: 15 of 1,613,956 alleles (0.00093%); highest among the groups gnomAD compares: Non-Finnish European, 0.0012%; no homozygotes.

Submissions (2):

Ambry Genetics
Classification: Uncertain significance for Cardiovascular phenotype. Last evaluated: 2025-11-10. Review status: criteria provided, single submitter. Criteria: Ambry Variant Classification Scheme 2023. Collection method: clinical testing. Allele origin: germline.
Comment: The p.D719V variant (also known as c.2156A>T), located in coding exon 17 of the LAMA4 gene, results from an A to T substitution at nucleotide position 2156. The aspartic acid at codon 719 is replaced by valine, an amino acid with highly dissimilar properties. This amino acid position is well conserved in available vertebrate species. In addition, this alteration is predicted to be tolerated by in silico analysis. The evidence for this gene-disease relationship is limited; therefore, the clinical significance of this alteration is unclear.

Biesecker Lab/Clinical Genomics Section, National Institutes of Health
Classification: Uncertain significance. Last evaluated: 2013-06-24. Review status: criteria provided, single submitter. Criteria: Ng et al. (Circ Cardiovasc Genet. 2013). Collection method: research. Allele origin: unknown. Observed: 1 variant allele. Study: ClinSeq.
Comment: The study set was not selected for affection status in relation to any cancer. Pathogenicity categories were based on literature curation. See Pubmed ID:23861362 for details.

Medical sequencing